The following is an entry in ClinVar:

ClinVar aggregate classification (germline): Uncertain significance (1 of 4 stars; one submission).

Conditions:
Hematuria. Identifiers: MedGen C0018965, HP:0000790.

Submission:

Genetics Laboratory, Great Ormond Street Hospital NHS Foundation Trust, North Thames Genomic Laboratory Hub
Classification: Uncertain significance for Haematuria. Last evaluated: 2025-11-20. Review status: criteria provided, single submitter. Criteria: ACGS Best Practice Guidelines for Variant Classification in Rare Disease 2024 v1.2. Collection method: clinical testing. Allele origin: germline. Affected: yes.
Comment: PM2_moderate, PM4_moderate, PP4_supporting

NC_000023.11:g.108578080_108578088del

Gene: COL4A5 (collagen type IV alpha 5 chain; plus strand). Cytogenetic location: Xq22.3.
Variant type: Deletion.
Genome position: GRCh38 VCF-style: chrX-108578076-AGGGGAATAT-A. GRCh37 (hg19) VCF-style: chrX-107821306-AGGGGAATAT-A.
Identifiers: ClinVar variation 4685576 (VCV004685576.1).